The following is an entry in ClinVar:

NM_001040716.2(PC):c.634-4G>A

Gene: PC (pyruvate carboxylase; minus strand). Cytogenetic location: 11q13.2.
Variant type: single nucleotide variant.
Coding change: c.634-4G>A on transcript NM_001040716.2 (MANE Select); 4 bases into the intron before coding-DNA position 634, G replaced by A.
Molecular consequence: intron variant.
Genome position (GRCh38, 1-based): chr11:66,870,896, C>T on the plus strand (G>A on the coding strand, the complement: PC is on the minus strand). VCF-style: chr11-66870896-C-T. GRCh37 (hg19) VCF-style: chr11-66638367-C-T.
Other names: c.634-4G>A (NM_000920.4, NM_022172.3).
Identifiers: ClinVar variation 387763 (VCV000387763.8), dbSNP rs368096991, ClinGen allele CA16606006.
Genomic context (GRCh38, chr11:66,870,896, plus strand): 5'-ATTCCCAAAGGCGGCCAGAGCCTCTGAGTAGGCCCGGGTGTAATTCTCCTCCAGCTCCTG[C>T]GAGGGCGGGCAGGGGCCAGCCAGACCTCAGACCCCACAGCGCTACCTCTCCCCTGCCATG-3'

ClinVar aggregate classification (germline): Likely benign. Review status: criteria provided, multiple submitters, no conflicts (2 of 4 stars). 2 submissions from 2 submitters: Likely benign (2). Last evaluated 2025-04-23.

Conditions:
Pyruvate carboxylase deficiency. Also called: Pyruvate Carboxylase Deficiency Disease; ATAXIA WITH LACTIC ACIDOSIS II; LEIGH NECROTIZING ENCEPHALOPATHY DUE TO PYRUVATE CARBOXYLASE DEFICIENCY; LEIGH SYNDROME DUE TO PYRUVATE CARBOXYLASE DEFICIENCY; PC DEFICIENCY. Identifiers: Orphanet 3008, MedGen C0034341, MONDO:0009949, OMIM 266150.

Allele frequency attached by ClinVar (database versions not stated): TOPMed 0.00002.
gnomAD v4.1: 13 of 1,611,388 alleles (0.00081%); highest among the groups gnomAD compares: African/African-American, 0.0013%; no homozygotes.

Submissions (2):

Labcorp Genetics (formerly Invitae), Labcorp
Classification: Likely benign for Pyruvate carboxylase deficiency. Last evaluated: 2025-04-23. Review status: criteria provided, single submitter. Criteria: Invitae Variant Classification Sherloc (09022015). Collection method: clinical testing. Allele origin: germline.

GeneDx
Classification: Likely benign. Last evaluated: 2016-07-29. Review status: criteria provided, single submitter. Criteria: GeneDx Variant Classification (06012015). Collection method: clinical testing. Allele origin: germline. Affected: yes.
Comment: This variant is considered likely benign or benign based on one or more of the following criteria: it is a conservative change, it occurs at a poorly conserved position in the protein, it is predicted to be benign by multiple in silico algorithms, and/or has population frequency not consistent with disease.